The following is an entry in ClinVar:

ClinVar aggregate classification (germline): Likely benign. Review status: criteria provided, multiple submitters, no conflicts (2 of 4 stars). 6 submissions from 6 submitters: Likely benign (6). Last evaluated 2025-11-29.

Conditions:
PKD1-related disorder. Also called: PKD1-related condition.
Polycystic kidney disease, adult type (PKD1). Also called: Polycystic Kidney, Autosomal Dominant; POLYCYSTIC KIDNEY DISEASE 1 WITH OR WITHOUT POLYCYSTIC LIVER DISEASE; Polycystic Kidney Disease 1, Autosomal Dominant; Polycystic kidney disease 1; Polycystic kidney disease 1, severe; POLYCYSTIC KIDNEY DISEASE, ADULT, TYPE I. Identifiers: MedGen C3149841, MONDO:0008263, OMIM 173900.

Allele frequency attached by ClinVar (database versions not stated): TOPMed 0.00006; ESP Exome Variant Server 0.00008; gnomAD exomes 0.00008 and 0.00015; gnomAD 0.00010; ExAC 0.00011.
gnomAD v4.1: 226 of 1,587,654 alleles (0.014%); highest among the groups gnomAD compares: Middle Eastern, 0.045%; no homozygotes.

Submissions (6):

PreventionGenetics, part of Exact Sciences
Classification: Likely benign for PKD1-related condition. Last evaluated: 2025-11-29. Review status: criteria provided, single submitter. Criteria: ACMG Guidelines, 2015. Collection method: clinical testing. Allele origin: germline.
Comment: This variant is classified as likely benign based on ACMG/AMP sequence variant interpretation guidelines (Richards et al. 2015 PMID: 25741868, with internal and published modifications).

Blueprint Genetics
Classification: Likely benign. Last evaluated: 2024-09-11. Review status: criteria provided, single submitter. Criteria: ACMG Guidelines, 2015. Collection method: clinical testing. Allele origin: germline.

Department of Pathology and Laboratory Medicine, Sinai Health System
Classification: Likely benign for Polycystic kidney disease, adult type. Last evaluated: 2024-07-12. Review status: criteria provided, single submitter. Criteria: ACMG Guidelines, 2015. Collection method: clinical testing. Allele origin: germline.

CeGaT Center for Human Genetics Tuebingen
Classification: Likely benign. Last evaluated: 2024-07-01. Review status: criteria provided, single submitter. Criteria: CeGaT Center For Human Genetics Tuebingen Variant Classification Criteria Version 2. Collection method: clinical testing. Allele origin: germline. Affected: yes. Observed: 1 variant allele.
Comment: PKD1: BP4, BP7

Fulgent Genetics
Classification: Likely benign for Polycystic kidney disease, adult type. Last evaluated: 2021-10-04. Review status: criteria provided, single submitter. Criteria: ACMG Guidelines, 2015. Collection method: clinical testing. Allele origin: unknown.

Athena Diagnostics
Classification: Likely benign. Last evaluated: 2018-05-21. Review status: criteria provided, single submitter. Criteria: Athena Diagnostics Criteria. Collection method: clinical testing. Allele origin: germline.

NM_001009944.3(PKD1):c.8046G>A (p.Ser2682=)

Gene: PKD1 (polycystin 1, transient receptor potential channel interacting; minus strand). Cytogenetic location: 16p13.3.
Variant type: single nucleotide variant.
Coding change: c.8046G>A on transcript NM_001009944.3 (MANE Select); coding-DNA position 8046, G replaced by A.
Protein change: p.Ser2682=; no amino-acid change (serine 2682 retained).
Molecular consequence: synonymous variant.
Genome position (GRCh38, 1-based): chr16:2,104,613, C>T on the plus strand (G>A on the coding strand, the complement: PKD1 is on the minus strand). VCF-style: chr16-2104613-C-T. GRCh37 (hg19) VCF-style: chr16-2154614-C-T.
Other names: c.8046G>A (NM_001009944.2); c.8046G>A, p.Ser2682= (NM_000296.4).
Identifiers: ClinVar variation 586301 (VCV000586301.23), dbSNP rs142391112, ClinGen allele CA7830739.